The following is an entry in ClinVar:

ClinVar aggregate classification (germline): Likely pathogenic (1 of 4 stars; one submission).

Conditions:
Galactosylceramide beta-galactosidase deficiency. Also called: Krabbe Disease; Leukodystrophy, Globoid Cell; GALACTOCEREBROSIDASE DEFICIENCY; GALC DEFICIENCY; GLOBOID CELL LEUKOENCEPHALOPATHY. Identifiers: Orphanet 487, MedGen C0023521, MONDO:0009499, OMIM 245200.

Allele frequency attached by ClinVar (database versions not stated): gnomAD exomes below 0.00001; ExAC 0.00001.
gnomAD v4.1: 1 of 1,564,958 alleles (0.000064%); highest among the groups gnomAD compares: Non-Finnish European, 0.000087%; no homozygotes.

Submission:

Labcorp Genetics (formerly Invitae), Labcorp
Classification: Likely pathogenic for Galactosylceramide beta-galactosidase deficiency. Last evaluated: 2021-10-23. Review status: criteria provided, single submitter. Criteria: Invitae Variant Classification Sherloc (09022015). Collection method: clinical testing. Allele origin: germline.
Comment: Advanced modeling of protein sequence and biophysical properties (such as structural, functional, and spatial information, amino acid conservation, physicochemical variation, residue mobility, and thermodynamic stability) performed at Invitae indicates that this missense variant is expected to disrupt GALC protein function. This missense change has been observed in individual(s) with Krabbe disease (PMID: 26108647). This variant is present in population databases (rs754732860, ExAC 0.002%). This sequence change replaces aspartic acid with alanine at codon 610 of the GALC protein (p.Asp610Ala). The aspartic acid residue is highly conserved and there is a moderate physicochemical difference between aspartic acid and alanine. In summary, the currently available evidence indicates that the variant is pathogenic, but additional data are needed to prove that conclusively. Therefore, this variant has been classified as Likely Pathogenic.

Literature cited by the submitters: PubMed 26108647.

NM_000153.4(GALC):c.1829A>C (p.Asp610Ala)

Gene: GALC (galactosylceramidase; minus strand). Cytogenetic location: 14q31.3.
Variant type: single nucleotide variant.
Coding change: c.1829A>C on transcript NM_000153.4 (MANE Select); coding-DNA position 1829, A replaced by C.
Protein change: p.Asp610Ala; replaces aspartic acid 610 with alanine.
Molecular consequence: missense variant.
Genome position (GRCh38, 1-based): chr14:87,941,400, T>G on the plus strand (A>C on the coding strand, the complement: GALC is on the minus strand). VCF-style: chr14-87941400-T-G. GRCh37 (hg19) VCF-style: chr14-88407744-T-G.
Other names: c.1760A>C, p.Asp587Ala (NM_001201401.2); c.1751A>C, p.Asp584Ala (NM_001201402.2); short protein forms D584A, D610A, D587A.
Identifiers: ClinVar variation 1491074 (VCV001491074.6), dbSNP rs754732860, ClinGen allele CA7296917.
Genomic context (GRCh38, chr14:87,941,400, plus strand): 5'-CAAAGTAACATAGCCCATAAGTCATATGCTATTAAAAAAAAAAAAAGTCAGTTACCTAAA[T>G]CACCTGTAACCCTGTAAGATCCATTTGCAAAAATCCAGAAGAAAATTCCTCTGGCACTTC-3'
Protein context (NP_000144.2, residues 600-620): FANGSYRVTG[Asp610Ala]LAGWIIYALG